The following is an entry in ClinVar:

NM_001349253.2(SCN11A):c.1217A>G (p.Gln406Arg)

Gene: SCN11A (sodium voltage-gated channel alpha subunit 11; minus strand). Cytogenetic location: 3p22.2.
Variant type: single nucleotide variant.
Coding change: c.1217A>G on transcript NM_001349253.2 (MANE Select); coding-DNA position 1217, A replaced by G.
Protein change: p.Gln406Arg; replaces glutamine 406 with arginine.
Molecular consequence: missense variant.
Genome position (GRCh38, 1-based): chr3:38,909,079, T>C on the plus strand (A>G on the coding strand, the complement: SCN11A is on the minus strand). VCF-style: chr3-38909079-T-C. GRCh37 (hg19) VCF-style: chr3-38950570-T-C.
Other names: c.1217A>G, p.Gln406Arg (NM_014139.3); short protein forms Q406R.
Identifiers: ClinVar variation 4527782 (VCV004527782.1).
Genomic context (GRCh38, chr3:38,909,079, plus strand): 5'-TGCTGGGCTTCCTGAAACATCTTTTCCTTGGCCTCTATCTCTGCAGCTACATTCTTGTTC[T>C]GCTCCTCATATGCCATGGTAACAACAGCCAGGGTTAAGTTAATCAGGTAGAAGGAGCCCA-3'
Protein context (NP_001336182.1, residues 396-416): LAVVTMAYEE[Gln406Arg]NKNVAAEIEA

ClinVar aggregate classification (germline): Uncertain significance (1 of 4 stars; one submission).

Submission:

GeneDx
Classification: Uncertain significance. Last evaluated: 2025-04-30. Review status: criteria provided, single submitter. Criteria: GeneDx Variant Classification Process June 2021. Collection method: clinical testing. Allele origin: germline. Affected: yes.
Comment: Not observed at significant frequency in large population cohorts (gnomAD); In silico analysis supports that this missense variant has a deleterious effect on protein structure/function; Has not been previously published as pathogenic or benign to our knowledge